The following is an entry in ClinVar:

NM_001267550.2(TTN):c.21206G>A (p.Gly7069Glu)

Genes: TTN (titin; minus strand), LOC126806428 (BRD4-independent group 4 enhancer GRCh37_chr2:179588362-179589561; plus strand). Cytogenetic location: 2q31.2.
Variant type: single nucleotide variant.
Coding change: c.21206G>A on transcript NM_001267550.2 (MANE Select); coding-DNA position 21206, G replaced by A.
Protein change: p.Gly7069Glu; replaces glycine 7069 with glutamic acid.
Molecular consequence: missense variant. On other transcripts: intron variant (3).
Genome position (GRCh38, 1-based): chr2:178,724,053, C>T on the plus strand (G>A on the coding strand, the complement: TTN is on the minus strand). VCF-style: chr2-178724053-C-T. GRCh37 (hg19) VCF-style: chr2-179588780-C-T.
Other names: c.20255G>A, p.Gly6752Glu (NM_001256850.1); c.17474G>A, p.Gly5825Glu (NM_133378.4); c.13282+14029G>A (NM_003319.4); c.13858+14029G>A (NM_133437.4); c.13657+14029G>A (NM_133432.3); short protein forms G5825E, G6752E, G7069E.
Identifiers: ClinVar variation 3353005 (VCV003353005.1).

ClinVar aggregate classification (germline): Uncertain significance (0 of 4 stars; one submission).

Conditions:
TTN-related disorder. Also called: TTN-related condition; TTN-related disease; TTN-related disorders.

gnomAD v4.1: 10 of 1,613,526 alleles (0.00062%); highest among the groups gnomAD compares: African/African-American, 0.013%; no homozygotes.

Submission:

PreventionGenetics, part of Exact Sciences
Classification: Uncertain significance for TTN-related condition. Last evaluated: 2024-06-23. Review status: no assertion criteria provided. Collection method: clinical testing. Allele origin: germline.
Comment: The TTN c.21206G>A variant is predicted to result in the amino acid substitution p.Gly7069Glu. To our knowledge, this variant has not been reported in the literature. This variant is reported in 0.0065% of alleles in individuals of African descent in gnomAD. At this time, the clinical significance of this variant is uncertain due to the absence of conclusive functional and genetic evidence.